The following is an entry in ClinVar:

NM_153816.6(SNX14):c.597_598insGAGAAGGGTCGAAGGCGCCGCGGGCTGGGGTCGGTGGCTTAGGGAGCCCGTCCCGCCATGGTGGCCGCGGCTGGTNNNNNNNNNNAAAAAAAAAAAAAAAAAAAAAAAAGCAGCAATG (p.Lys200delinsGluLysGlyArgArgArgArgGlyLeuGlySerValAlaTer)

Gene: SNX14 (sorting nexin 14; minus strand). Cytogenetic location: 6q14.3.
Variant type: Insertion.
Coding change: c.597_598insGAGAAGGGTCGAAGGCGCCGCGGGCTGGGGTCGGTGGCTTAGGGAGCCCGTCCCGCCATGGTGGCCGCGGCTGGTNNNNNNNNNNAAAAAAAAAAAAAAAAAAAAAAAAGCAGCAATG on transcript NM_153816.6 (MANE Select); coding-DNA positions 597 to 598, GAGAAGGGTCGAAGGCGCCGCGGGCTGGGGTCGGTGGCTTAGGGAGCCCGTCCCGCCATGGTGGCCGCGGCTGGTNNNNNNNNNNAAAAAAAAAAAAAAAAAAAAAAAAGCAGCAATG inserted.
Protein change: p.Lys200delinsGluLysGlyArgArgArgArgGlyLeuGlySerValAlaTer.
Molecular consequence: nonsense. On other transcripts: 5 prime UTR variant (5), non-coding transcript variant (6), intron variant (2).
Genome position: GRCh38: chr6:85,558,025-85,558,026. GRCh37 (hg19): chr6:86,267,743-86,267,744.
Other names: c.597_598insGAGAAGGGTCGAAGGCGCCGCGGGCTGGGGTCGGTGGCTTAGGGAGCCCGTCCCGCCATGGTGGCCGCGGCTGGTNNNNNNNNNNAAAAAAAAAAAAAAAAAAAAAAAAGCAGCAATG, p.Lys200delinsGluLysGlyArgArgArgArgGlyLeuGlySerValAlaTer (NM_001297614.3, NM_001350538.2, NM_001350540.2 and 1 more transcripts); c.441_442insGAGAAGGGTCGAAGGCGCCGCGGGCTGGGGTCGGTGGCTTAGGGAGCCCGTCCCGCCATGGTGGCCGCGGCTGGTNNNNNNNNNNAAAAAAAAAAAAAAAAAAAAAAAAGCAGCAATG, p.Lys148delinsGluLysGlyArgArgArgArgGlyLeuGlySerValAlaTer (NM_001304479.2, NM_001350544.2); c.660_661insGAGAAGGGTCGAAGGCGCCGCGGGCTGGGGTCGGTGGCTTAGGGAGCCCGTCCCGCCATGGTGGCCGCGGCTGGTNNNNNNNNNNAAAAAAAAAAAAAAAAAAAAAAAAGCAGCAATG, p.Lys221delinsGluLysGlyArgArgArgArgGlyLeuGlySerValAlaTer (NM_001350532.2); c.594_595insGAGAAGGGTCGAAGGCGCCGCGGGCTGGGGTCGGTGGCTTAGGGAGCCCGTCCCGCCATGGTGGCCGCGGCTGGTNNNNNNNNNNAAAAAAAAAAAAAAAAAAAAAAAAGCAGCAATG, p.Lys199delinsGluLysGlyArgArgArgArgGlyLeuGlySerValAlaTer (NM_001350533.2, NM_001350534.2, NM_001350535.2); c.465_466insGAGAAGGGTCGAAGGCGCCGCGGGCTGGGGTCGGTGGCTTAGGGAGCCCGTCCCGCCATGGTGGCCGCGGCTGGTNNNNNNNNNNAAAAAAAAAAAAAAAAAAAAAAAAGCAGCAATG, p.Lys156delinsGluLysGlyArgArgArgArgGlyLeuGlySerValAlaTer (NM_001350536.2, NM_020468.6); c.462_463insGAGAAGGGTCGAAGGCGCCGCGGGCTGGGGTCGGTGGCTTAGGGAGCCCGTCCCGCCATGGTGGCCGCGGCTGGTNNNNNNNNNNAAAAAAAAAAAAAAAAAAAAAAAAGCAGCAATG, p.Lys155delinsGluLysGlyArgArgArgArgGlyLeuGlySerValAlaTer (NM_001350537.2); c.438_439insGAGAAGGGTCGAAGGCGCCGCGGGCTGGGGTCGGTGGCTTAGGGAGCCCGTCCCGCCATGGTGGCCGCGGCTGGTNNNNNNNNNNAAAAAAAAAAAAAAAAAAAAAAAAGCAGCAATG, p.Lys147delinsGluLysGlyArgArgArgArgGlyLeuGlySerValAlaTer (NM_001350539.2); c.309_310insGAGAAGGGTCGAAGGCGCCGCGGGCTGGGGTCGGTGGCTTAGGGAGCCCGTCCCGCCATGGTGGCCGCGGCTGGTNNNNNNNNNNAAAAAAAAAAAAAAAAAAAAAAAAGCAGCAATG, p.Lys104delinsGluLysGlyArgArgArgArgGlyLeuGlySerValAlaTer (NM_001350542.2); and 6 more.
Identifiers: ClinVar variation 3726079 (VCV003726079.2).

ClinVar aggregate classification (germline): Pathogenic (1 of 4 stars; one submission).

Submission:

Labcorp Genetics (formerly Invitae), Labcorp
Classification: Pathogenic. Last evaluated: 2025-02-27. Review status: criteria provided, single submitter. Criteria: Invitae Variant Classification Sherloc (09022015). Collection method: clinical testing. Allele origin: germline.
Comment: This sequence change inserts a large fragment of DNA, likely a transposable element, in exon 7 of the SNX14 gene (c.597_598ins?), causing a frameshift at codon 200 (p.Lys200fs). The exact size and sequence of the insertion cannot be determined by the current assay. However, the insertion is expected to result in an absent or disrupted protein product. This variant is not present in population databases (gnomAD no frequency). This variant has not been reported in the literature in individuals affected with SNX14-related conditions. Retrotransposon insertions including LINE1 (L1), Alu, and SVA (SINE-VNTR-Alu) have been reported to be disease-causing through disruption of either a coding region or splice site (PMID: 19763152, 20307669, 22406018) and loss-of-function variants in SNX14 are known to be pathogenic (PMID: 25439728, 25848753). For these reasons, this variant has been classified as Pathogenic.

Literature cited by the submitters: PubMed 19763152; PubMed 20307669; PubMed 22406018; PubMed 25439728; PubMed 25848753.